The following is an entry in ClinVar:

ClinVar aggregate classification (germline): Conflicting classifications of pathogenicity. Review status: criteria provided, conflicting classifications (1 of 4 stars). 9 submissions from 9 submitters: Uncertain significance (6); Benign (1); Likely benign (1). 1 of the submissions does not count toward it. Last evaluated 2026-09-24.

Conditions:
PDGFRA-related disorder. Also called: PDGFRA-related condition.
Polyps, multiple and recurrent inflammatory fibroid, gastrointestinal. Identifiers: MedGen C5193005, MONDO:0008285, OMIM 175510.
Hereditary cancer-predisposing syndrome. Also called: Tumor predisposition; Hereditary neoplastic syndrome; Hereditary Cancer Syndrome; Neoplastic Syndromes, Hereditary. Identifiers: Orphanet 140162, MedGen C0027672, MeSH D009386, MONDO:0015356.
Gastrointestinal stromal tumor. Also called: Gastrointestinal stromal tumor, somatic; Gastrointestinal stroma tumor. Identifiers: Orphanet 44890, MedGen C0238198, MeSH D046152, MONDO:0011719, OMIM 606764, HP:0100723.

Allele frequency attached by ClinVar (database versions not stated): gnomAD 0.00006; TOPMed 0.00007; ExAC 0.00010; gnomAD exomes 0.00010 and 0.00013.
gnomAD v4.1: 196 of 1,611,800 alleles (0.012%); highest among the groups gnomAD compares: Middle Eastern, 0.016%; no homozygotes.

Submissions (9):

PreventionGenetics, part of Exact Sciences
Classification: Uncertain significance for PDGFRA-related condition. Last evaluated: 2026-09-24. Review status: criteria provided, single submitter. Criteria: ACMG Guidelines, 2015. Collection method: clinical testing. Allele origin: germline.
Comment: The PDGFRA c.2935C>T variant is predicted to result in the amino acid substitution p.Arg979Cys. This variant has been reported in an individual with breast cancer (Wen et al. 2014. PubMed ID: 24969172, file S2) and in a study of cancer susceptibility genes in a cohort of healthy individuals (Bodian et al. 2014. PubMed ID: 24728327, Table S1). This variant is reported in 0.014% of alleles in individuals of European (Non-Finnish) descent in gnomAD and has conflicting interpretations in ClinVar ranging from uncertain to benign (Variation ID: 135019). Although we suspect this variant may be benign, at this time, the clinical significance of this variant is uncertain due to the absence of conclusive functional and genetic evidence.

Myriad Genetics, Inc.
Classification: Likely benign for Polyps, multiple and recurrent inflammatory fibroid, gastrointestinal. Last evaluated: 2026-06-16. Review status: criteria provided, single submitter. Criteria: Myriad Autosomal Dominant, Autosomal Recessive and X-Linked Classification Criteria (2023). Collection method: clinical testing. Allele origin: unknown.
Comment: This variant is considered likely benign. This variant has been observed at a population frequency that is significantly greater than expected given the associated disease prevalence and penetrance.

Labcorp Genetics (formerly Invitae), Labcorp
Classification: Uncertain significance for Gastrointestinal stromal tumor. Last evaluated: 2026-01-20. Review status: criteria provided, single submitter. Criteria: Invitae Variant Classification Sherloc (09022015). Collection method: clinical testing. Allele origin: germline.
Comment: This sequence change replaces arginine, which is basic and polar, with cysteine, which is neutral and slightly polar, at codon 979 of the PDGFRA protein (p.Arg979Cys). This variant is present in population databases (rs587778597, gnomAD 0.01%). This missense change has been observed in individual(s) with breast cancer (PMID: 24969172). ClinVar contains an entry for this variant (Variation ID: 135019). Invitae Evidence Modeling of protein sequence and biophysical properties (such as structural, functional, and spatial information, amino acid conservation, physicochemical variation, residue mobility, and thermodynamic stability) indicates that this missense variant is not expected to disrupt PDGFRA protein function with a negative predictive value of 80%. In summary, the available evidence is currently insufficient to determine the role of this variant in disease. Therefore, it has been classified as a Variant of Uncertain Significance.

CeGaT Center for Human Genetics Tuebingen
Classification: Uncertain significance. Last evaluated: 2025-06-01. Review status: criteria provided, single submitter. Criteria: CeGaT Center For Human Genetics Tuebingen Variant Classification Criteria Version 2. Collection method: clinical testing. Allele origin: germline. Affected: yes. Observed: 1 variant allele.
Comment: PDGFRA: PP3

Molecular Pathology, Peter Maccallum Cancer Centre
Classification: Uncertain significance for Hereditary cancer-predisposing syndrome. Last evaluated: 2024-10-31. Review status: criteria provided, single submitter. Criteria: ACMG Guidelines, 2015. Collection method: clinical testing. Allele origin: germline.

Blueprint Genetics
Classification: Uncertain significance. Last evaluated: 2024-10-30. Review status: criteria provided, single submitter. Criteria: ACMG Guidelines, 2015. Collection method: clinical testing. Allele origin: germline.

Ambry Genetics
Classification: Benign for Hereditary cancer-predisposing syndrome. Last evaluated: 2024-08-20. Review status: criteria provided, single submitter. Criteria: Ambry Variant Classification Scheme 2023. Collection method: clinical testing. Allele origin: germline.

GeneDx
Classification: Uncertain significance. Last evaluated: 2024-04-03. Review status: criteria provided, single submitter. Criteria: GeneDx Variant Classification Process June 2021. Collection method: clinical testing. Allele origin: germline. Affected: yes.
Comment: Identified in a patient with ductal carcinoma in situ (DCIS) of the breast in published literature; however, additional variants in cancer-related genes were also reported (PMID: 24969172); In silico analysis supports that this missense variant has a deleterious effect on protein structure/function; This variant is associated with the following publications: (PMID: 24728327, 24969172)

ITMI
No classification provided. Condition: AllHighlyPenetrant. Last evaluated: 2013-09-19. Review status: no classification provided. Collection method: reference population. Allele origin: germline. Not counted in ClinVar's aggregate classification.
Comment: Please see associated publication for description of ethnicities

Literature cited by the submitters: PubMed 24969172 (cited by Labcorp Genetics (formerly Invitae), Labcorp); PubMed 24728327 (cited by ITMI).

NM_006206.6(PDGFRA):c.2935C>T (p.Arg979Cys)

Gene: PDGFRA (platelet derived growth factor receptor alpha; plus strand). Cytogenetic location: 4q12.
Variant type: single nucleotide variant.
Coding change: c.2935C>T on transcript NM_006206.6 (MANE Select); coding-DNA position 2935, C replaced by T.
Protein change: p.Arg979Cys; replaces arginine 979 with cysteine.
Molecular consequence: missense variant.
Genome position (GRCh38, 1-based): chr4:54,290,367, C>T. VCF-style: chr4-54290367-C-T. GRCh37 (hg19) VCF-style: chr4-55156534-C-T.
Other names: c.3010C>T, p.Arg1004Cys (NM_001347828.2); c.2935C>T, p.Arg979Cys (NM_001347829.2); c.2974C>T, p.Arg992Cys (NM_001347830.2); c.2935C>T (NM_006206.5); short protein forms R979C, R1004C, R992C.
Identifiers: ClinVar variation 135019 (VCV000135019.27), dbSNP rs587778597, ClinGen allele CA161417.